The following is an entry in ClinVar:

NM_000361.3(THBD):c.41G>A (p.Gly14Asp)

Gene: THBD (thrombomodulin; minus strand). Cytogenetic location: 20p11.21.
Variant type: single nucleotide variant.
Coding change: c.41G>A on transcript NM_000361.3 (MANE Select); coding-DNA position 41, G replaced by A.
Protein change: p.Gly14Asp; replaces glycine 14 with aspartic acid.
Molecular consequence: missense variant.
Genome position (GRCh38, 1-based): chr20:23,049,464, C>T on the plus strand (G>A on the coding strand, the complement: THBD is on the minus strand). VCF-style: chr20-23049464-C-T. GRCh37 (hg19) VCF-style: chr20-23030101-C-T.
Other names: short protein forms G14D.
Identifiers: ClinVar variation 3679342 (VCV003679342.2).

ClinVar aggregate classification (germline): Uncertain significance (1 of 4 stars; one submission).

Submission:

Labcorp Genetics (formerly Invitae), Labcorp
Classification: Uncertain significance. Last evaluated: 2024-12-30. Review status: criteria provided, single submitter. Criteria: Invitae Variant Classification Sherloc (09022015). Collection method: clinical testing. Allele origin: germline.
Comment: This sequence change replaces glycine, which is neutral and non-polar, with aspartic acid, which is acidic and polar, at codon 14 of the THBD protein (p.Gly14Asp). The frequency data for this variant in the population databases is considered unreliable, as metrics indicate poor data quality at this position in the gnomAD database. This variant has not been reported in the literature in individuals affected with THBD-related conditions. Invitae Evidence Modeling of protein sequence and biophysical properties (such as structural, functional, and spatial information, amino acid conservation, physicochemical variation, residue mobility, and thermodynamic stability) has been performed for this missense variant. However, the output from this modeling did not meet the statistical confidence thresholds required to predict the impact of this variant on THBD protein function. In summary, the available evidence is currently insufficient to determine the role of this variant in disease. Therefore, it has been classified as a Variant of Uncertain Significance.